The following is an entry in ClinVar:

NM_000371.4(TTR):c.377C>A (p.Thr126Asn)

Gene: TTR (transthyretin; plus strand). Cytogenetic location: 18q12.1.
Variant type: single nucleotide variant.
Coding change: c.377C>A on transcript NM_000371.4 (MANE Select); coding-DNA position 377, C replaced by A.
Protein change: p.Thr126Asn; replaces threonine 126 with asparagine.
Molecular consequence: missense variant.
Genome position (GRCh38, 1-based): chr18:31,598,608, C>A. VCF-style: chr18-31598608-C-A. GRCh37 (hg19) VCF-style: chr18-29178571-C-A.
Other names: short protein forms T126N.
Identifiers: ClinVar variation 2138147 (VCV002138147.4), dbSNP rs1456101911, ClinGen allele CA402158192.

ClinVar aggregate classification (germline): Likely pathogenic (1 of 4 stars; one submission).

Conditions:
Amyloidosis, hereditary systemic 1 (AMYLD1). Also called: AMYLOID CARDIOMYOPATHY; Hereditary oculoleptomeningeal amyloid angiopathy; Familial Transthyretin Amyloidosis; Isolated Cardiac Amyloidosis; Amyloid Cardiomyopathy, Transthyretin-related; Familial amyloid polyneuropathy. Identifiers: Orphanet 85447, Orphanet 85451, MedGen C2751492, MONDO:0971004, OMIM 105210.

gnomAD v4.1: 1 of 1,614,094 alleles (0.000062%); highest among the groups gnomAD compares: African/African-American, 0.0013%; no homozygotes.

Submission:

Labcorp Genetics (formerly Invitae), Labcorp
Classification: Likely pathogenic for Amyloidosis, hereditary systemic 1. Last evaluated: 2022-03-08. Review status: criteria provided, single submitter. Criteria: Invitae Variant Classification Sherloc (09022015). Collection method: clinical testing. Allele origin: germline.
Comment: This missense change has been observed in individual(s) with hereditary transthyretin-mediated amyloidosis (hATTR amyloidosis) (PMID: 17503405). This variant is present in population databases (no rsID available, gnomAD 0.01%). This sequence change replaces threonine, which is neutral and polar, with asparagine, which is neutral and polar, at codon 126 of the TTR protein (p.Thr126Asn). This variant is also known as Thr106Asn. In summary, the currently available evidence indicates that the variant is pathogenic, but additional data are needed to prove that conclusively. Therefore, this variant has been classified as Likely Pathogenic. Advanced modeling of protein sequence and biophysical properties (such as structural, functional, and spatial information, amino acid conservation, physicochemical variation, residue mobility, and thermodynamic stability) performed at Invitae indicates that this missense variant is expected to disrupt TTR protein function.

Literature cited by the submitters: PubMed 17503405.